The following is an entry in ClinVar:

NM_007194.4(CHEK2):c.561del (p.Glu188fs)

Gene: CHEK2 (checkpoint kinase 2; minus strand). Cytogenetic location: 22q12.1.
Variant type: Deletion.
Coding change: c.561del on transcript NM_007194.4 (MANE Select); coding-DNA position 561, one base deleted (T; older notation c.561delT).
Protein change: p.Glu188fs; shifts the reading frame from glutamic acid 188.
Molecular consequence: frameshift variant. On other transcripts: 5 prime UTR variant (2), intron variant (1).
Genome position (GRCh38, 1-based): chr22:28,725,008, A deleted on the plus strand (T on the coding strand, the reverse complement: CHEK2 is on the minus strand). VCF-style (leftmost placement, unchanged base first): chr22-28725007-CA-C. GRCh37 (hg19) VCF-style: chr22-29120995-CA-C.
Other names: c.690del, p.Glu231fs (NM_001005735.3, NM_001438294.1); c.-217del (NM_001257387.3); c.-103del (NM_001437942.1); c.654del, p.Glu219fs (NM_001438293.1, NM_001438295.1); c.561del, p.Glu188fs (NM_145862.3); c.445-85del (NM_001349956.3); short protein forms E231fs, E188fs, E219fs.
Identifiers: ClinVar variation 2775541 (VCV002775541.3), dbSNP rs2518051015, ClinGen allele CA2739265658.

ClinVar aggregate classification (germline): Pathogenic (1 of 4 stars; one submission).

Conditions:
Familial cancer of breast. Also called: Hereditary breast cancer; BREAST CANCER, FAMILIAL; hereditary breast carcinoma. Identifiers: Orphanet 227535, MedGen C0346153, MONDO:0016419, OMIM 114480. Disease mechanism: loss of function.

Submission:

Labcorp Genetics (formerly Invitae), Labcorp
Classification: Pathogenic for Familial cancer of breast. Last evaluated: 2023-01-16. Review status: criteria provided, single submitter. Criteria: Invitae Variant Classification Sherloc (09022015). Collection method: clinical testing. Allele origin: germline.
Comment: This variant is not present in population databases (gnomAD no frequency). This sequence change creates a premature translational stop signal (p.Glu188Lysfs*6) in the CHEK2 gene. It is expected to result in an absent or disrupted protein product. Loss-of-function variants in CHEK2 are known to be pathogenic (PMID: 21876083, 24713400). This variant has not been reported in the literature in individuals affected with CHEK2-related conditions. For these reasons, this variant has been classified as Pathogenic.

Literature cited by the submitters: PubMed 21876083; PubMed 24713400.